The following is an entry in ClinVar:

ClinVar aggregate classification (germline): Uncertain significance (1 of 4 stars; one submission).

Allele frequency attached by ClinVar (database versions not stated): TOPMed 0.00001; gnomAD exomes below 0.00001; gnomAD 0.00001.
gnomAD v4.1: 3 of 1,613,854 alleles (0.00019%); highest among the groups gnomAD compares: Non-Finnish European, 0.00025%; no homozygotes.

Submission:

Labcorp Genetics (formerly Invitae), Labcorp
Classification: Uncertain significance. Last evaluated: 2024-11-14. Review status: criteria provided, single submitter. Criteria: Invitae Variant Classification Sherloc (09022015). Collection method: clinical testing. Allele origin: germline.
Comment: This sequence change replaces asparagine, which is neutral and polar, with tyrosine, which is neutral and polar, at codon 384 of the MYSM1 protein (p.Asn384Tyr). This variant is not present in population databases (gnomAD no frequency). This variant has not been reported in the literature in individuals affected with MYSM1-related conditions. ClinVar contains an entry for this variant (Variation ID: 1355775). Invitae Evidence Modeling of protein sequence and biophysical properties (such as structural, functional, and spatial information, amino acid conservation, physicochemical variation, residue mobility, and thermodynamic stability) indicates that this missense variant is not expected to disrupt MYSM1 protein function with a negative predictive value of 80%. In summary, the available evidence is currently insufficient to determine the role of this variant in disease. Therefore, it has been classified as a Variant of Uncertain Significance.

NM_001085487.3(MYSM1):c.1150A>T (p.Asn384Tyr)

Gene: MYSM1 (Myb like, SWIRM and MPN domains 1; minus strand). Cytogenetic location: 1p32.1.
Variant type: single nucleotide variant.
Coding change: c.1150A>T on transcript NM_001085487.3 (MANE Select); coding-DNA position 1150, A replaced by T.
Protein change: p.Asn384Tyr; replaces asparagine 384 with tyrosine.
Molecular consequence: missense variant.
Genome position (GRCh38, 1-based): chr1:58,681,894, T>A on the plus strand (A>T on the coding strand, the complement: MYSM1 is on the minus strand). VCF-style: chr1-58681894-T-A. GRCh37 (hg19) VCF-style: chr1-59147566-T-A.
Other names: short protein forms N384Y.
Identifiers: ClinVar variation 1355775 (VCV001355775.8), dbSNP rs1343759383, ClinGen allele CA340524980.